The following is an entry in ClinVar:

NM_000064.4(C3):c.3214C>T (p.Arg1072Trp)

Gene: C3 (complement C3; minus strand). Cytogenetic location: 19p13.3.
Variant type: single nucleotide variant.
Coding change: c.3214C>T on transcript NM_000064.4 (MANE Select); coding-DNA position 3214, C replaced by T.
Protein change: p.Arg1072Trp; replaces arginine 1072 with tryptophan.
Molecular consequence: missense variant.
Genome position (GRCh38, 1-based): chr19:6,693,428, G>A on the plus strand (C>T on the coding strand, the complement: C3 is on the minus strand). VCF-style: chr19-6693428-G-A. GRCh37 (hg19) VCF-style: chr19-6693439-G-A.
Other names: short protein forms R1072W.
Identifiers: ClinVar variation 3013864 (VCV003013864.4), dbSNP rs766656069, ClinGen allele CA9128815.

ClinVar aggregate classification (germline): Uncertain significance. Review status: criteria provided, multiple submitters, no conflicts (2 of 4 stars). 2 submissions from 2 submitters: Uncertain significance (2). Last evaluated 2025-09-30.

Conditions:
C3 glomerulonephritis. Also called: C3 GLOMERULOPATHY 3; Nephropathy due to CFHR5 Deficiency. Identifiers: Orphanet 329931, MedGen C4055342, MONDO:0013892, OMIM 614809.

Allele frequency attached by ClinVar (database versions not stated): TOPMed below 0.00001; ExAC 0.00002.
gnomAD v4.1: 7 of 1,611,354 alleles (0.00043%); highest among the groups gnomAD compares: East Asian, 0.0022%; no homozygotes.

Submissions (2):

Genomenon, Inc
Classification: Uncertain significance for C3 glomerulonephritis. Last evaluated: 2025-09-30. Review status: criteria provided, single submitter. Criteria: Genomenon Sequence Variant Interpretation Standards. Collection method: curation. Allele origin: germline. Affected: yes.
Comment: C3 p.Arg1072Trp (c.3214C>T) is a missense variant that changes the amino acid at residue 1072 from Arginine to Tryptophan. This variant has been observed in at least one proband affected with C3 glomerulonephritis (PMID:33384694). It is absent or not present at a significant frequency in gnomAD. In silico models agree that this variant is not damaging. In conclusion, we classify C3 p.Arg1072Trp (c.3214C>T) as a variant of unknown significance.

Labcorp Genetics (formerly Invitae), Labcorp
Classification: Uncertain significance. Last evaluated: 2024-10-15. Review status: criteria provided, single submitter. Criteria: Invitae Variant Classification Sherloc (09022015). Collection method: clinical testing. Allele origin: germline.
Comment: This sequence change replaces arginine, which is basic and polar, with tryptophan, which is neutral and slightly polar, at codon 1072 of the C3 protein (p.Arg1072Trp). The frequency data for this variant in the population databases is considered unreliable, as metrics indicate poor data quality at this position in the gnomAD database. This variant has not been reported in the literature in individuals affected with C3-related conditions. Invitae Evidence Modeling of protein sequence and biophysical properties (such as structural, functional, and spatial information, amino acid conservation, physicochemical variation, residue mobility, and thermodynamic stability) indicates that this missense variant is expected to disrupt C3 protein function with a positive predictive value of 80%. In summary, the available evidence is currently insufficient to determine the role of this variant in disease. Therefore, it has been classified as a Variant of Uncertain Significance.

Literature cited by the submitters: PubMed 33384694 (cited by Genomenon, Inc).